The following is an entry in ClinVar:

NM_173500.4(TTBK2):c.1157T>C (p.Met386Thr)

Gene: TTBK2 (tau tubulin kinase 2; minus strand). Cytogenetic location: 15q15.2.
Variant type: single nucleotide variant.
Coding change: c.1157T>C on transcript NM_173500.4 (MANE Select); coding-DNA position 1157, T replaced by C.
Protein change: p.Met386Thr; replaces methionine 386 with threonine.
Molecular consequence: missense variant.
Genome position (GRCh38, 1-based): chr15:42,783,459, A>G on the plus strand (T>C on the coding strand, the complement: TTBK2 is on the minus strand). VCF-style: chr15-42783459-A-G. GRCh37 (hg19) VCF-style: chr15-43075657-A-G.
Other names: short protein forms M386T.
Identifiers: ClinVar variation 1977685 (VCV001977685.6), dbSNP rs547332107, ClinGen allele CA392020028.

ClinVar aggregate classification (germline): Uncertain significance. Review status: criteria provided, multiple submitters, no conflicts (2 of 4 stars). 2 submissions from 2 submitters: Uncertain significance (2). Last evaluated 2022-04-23.

Conditions:
Inborn genetic diseases. Identifiers: MedGen C0950123, MeSH D030342.

gnomAD v4.1: 1 of 1,614,148 alleles (0.000062%); highest among the groups gnomAD compares: Admixed American, 0.0017%; no homozygotes.

Submissions (2):

Labcorp Genetics (formerly Invitae), Labcorp
Classification: Uncertain significance. Last evaluated: 2022-04-23. Review status: criteria provided, single submitter. Criteria: Invitae Variant Classification Sherloc (09022015). Collection method: clinical testing. Allele origin: germline.
Comment: Algorithms developed to predict the effect of missense changes on protein structure and function are either unavailable or do not agree on the potential impact of this missense change (SIFT: "Deleterious"; PolyPhen-2: "Benign"; Align-GVGD: "Class C0"). This sequence change replaces methionine, which is neutral and non-polar, with threonine, which is neutral and polar, at codon 386 of the TTBK2 protein (p.Met386Thr). This variant is present in population databases (no rsID available, gnomAD 0.003%). This variant has not been reported in the literature in individuals affected with TTBK2-related conditions. In summary, the available evidence is currently insufficient to determine the role of this variant in disease. Therefore, it has been classified as a Variant of Uncertain Significance.

Ambry Genetics
Classification: Uncertain significance for Inborn genetic diseases. Last evaluated: 2021-07-06. Review status: criteria provided, single submitter. Criteria: Ambry Variant Classification Scheme 2023. Collection method: clinical testing. Allele origin: germline.